The following is an entry in ClinVar:

NM_020708.5(SLC12A5):c.3010G>A (p.Val1004Met)

Gene: SLC12A5 (solute carrier family 12 member 5; plus strand). Cytogenetic location: 20q13.12.
Variant type: single nucleotide variant.
Coding change: c.3010G>A on transcript NM_020708.5 (MANE Select); coding-DNA position 3010, G replaced by A.
Protein change: p.Val1004Met; replaces valine 1004 with methionine.
Molecular consequence: missense variant.
Genome position (GRCh38, 1-based): chr20:46,056,464, G>A. VCF-style: chr20-46056464-G-A. GRCh37 (hg19) VCF-style: chr20-44685103-G-A.
Other names: c.3079G>A, p.Val1027Met (NM_001134771.2); short protein forms V1027M, V1004M.
Identifiers: ClinVar variation 1394741 (VCV001394741.6), dbSNP rs2145508098, ClinGen allele CA409207833.

ClinVar aggregate classification (germline): Uncertain significance (1 of 4 stars; one submission).

Conditions:
Developmental and epileptic encephalopathy, 34 (DEE34). Also called: Early infantile epileptic encephalopathy 34; SLC12A5-Related Epilepsy of Infancy with Migrating Focal Seizures. Identifiers: Orphanet 293181, MedGen C4225257, MONDO:0014718, OMIM 616645.

Submission:

Labcorp Genetics (formerly Invitae), Labcorp
Classification: Uncertain significance for Developmental and epileptic encephalopathy, 34. Last evaluated: 2021-11-23. Review status: criteria provided, single submitter. Criteria: Invitae Variant Classification Sherloc (09022015). Collection method: clinical testing. Allele origin: germline.
Comment: In summary, the available evidence is currently insufficient to determine the role of this variant in disease. Therefore, it has been classified as a Variant of Uncertain Significance. Algorithms developed to predict the effect of missense changes on protein structure and function are either unavailable or do not agree on the potential impact of this missense change (SIFT: "Deleterious"; PolyPhen-2: "Possibly Damaging"; Align-GVGD: "Class C0"). This variant has not been reported in the literature in individuals affected with SLC12A5-related conditions. This variant is not present in population databases (gnomAD no frequency). This sequence change replaces valine, which is neutral and non-polar, with methionine, which is neutral and non-polar, at codon 1004 of the SLC12A5 protein (p.Val1004Met).